The following is an entry in ClinVar:

NM_005271.5(GLUD1):c.452G>A (p.Arg151His)

Gene: GLUD1 (glutamate dehydrogenase 1; minus strand). Cytogenetic location: 10q23.2.
Variant type: single nucleotide variant.
Coding change: c.452G>A on transcript NM_005271.5 (MANE Select); coding-DNA position 452, G replaced by A.
Protein change: p.Arg151His; replaces arginine 151 with histidine.
Molecular consequence: missense variant. On other transcripts: 5 prime UTR variant (5).
Genome position (GRCh38, 1-based): chr10:87,076,650, C>T on the plus strand (G>A on the coding strand, the complement: GLUD1 is on the minus strand). VCF-style: chr10-87076650-C-T. GRCh37 (hg19) VCF-style: chr10-88836407-C-T.
Other names: c.53G>A, p.Arg18His (NM_001318900.1); c.-50G>A (NM_001318901.1, NM_001318902.1, NM_001318904.2 and 2 more transcripts); short protein forms R151H, R18H.
Identifiers: ClinVar variation 4690030 (VCV004690030.1).
Genomic context (GRCh38, chr10:87,076,650, plus strand): 5'-TTGTATGTCATCAGAGAAGCCAAAGCTTTTACTTCATCTACACTCACATCAGTGCTGTAA[C>T]GGATACCTGGTGGTGTTTTTAAAAAAATGTGTTGGGGTGGGTGAGAAAGAAGGGGTTATA-3'
Protein context (NP_005262.1, residues 141-161): QHRTPCKGGI[Arg151His]YSTDVSVDEV

ClinVar aggregate classification (germline): Uncertain significance (1 of 4 stars; one submission).

gnomAD v4.1: 7 of 1,593,782 alleles (0.00044%); highest among the groups gnomAD compares: African/African-American, 0.0013%; no homozygotes.

Submission:

GeneDx
Classification: Uncertain significance. Last evaluated: 2025-07-29. Review status: criteria provided, single submitter. Criteria: GeneDx Variant Classification Process June 2021. Collection method: clinical testing. Allele origin: germline. Affected: yes.
Comment: Not observed at significant frequency in large population cohorts (gnomAD); In silico analysis supports that this missense variant has a deleterious effect on protein structure/function; Has not been previously published as pathogenic or benign to our knowledge